The following is an entry in ClinVar:

ClinVar aggregate classification (germline): Uncertain significance (1 of 4 stars; one submission).

gnomAD v4.1: 11 of 1,614,072 alleles (0.00068%); highest among the groups gnomAD compares: African/African-American, 0.015%; no homozygotes.

Submission:

GeneDx
Classification: Uncertain significance. Last evaluated: 2026-04-06. Review status: criteria provided, single submitter. Criteria: GeneDx Variant Classification Process June 2021. Collection method: clinical testing. Allele origin: germline.
Comment: In silico analysis suggests that this missense variant does not alter protein structure/function; Has not been previously published as pathogenic or benign to our knowledge

NM_020041.3(SLC2A9):c.928G>C (p.Ala310Pro)

Gene: SLC2A9 (solute carrier family 2 member 9; minus strand). Cytogenetic location: 4p16.1.
Variant type: single nucleotide variant.
Coding change: c.928G>C on transcript NM_020041.3 (MANE Select); coding-DNA position 928, G replaced by C.
Protein change: p.Ala310Pro; replaces alanine 310 with proline.
Molecular consequence: missense variant.
Genome position (GRCh38, 1-based): chr4:9,920,459, C>G on the plus strand (G>C on the coding strand, the complement: SLC2A9 is on the minus strand). VCF-style: chr4-9920459-C-G. GRCh37 (hg19) VCF-style: chr4-9922083-C-G.
Other names: c.841G>C, p.Ala281Pro (NM_001001290.2); short protein forms A281P, A310P.
Identifiers: ClinVar variation 5017835 (VCV005017835.1).